The following is an entry in ClinVar:

ClinVar aggregate classification (germline): Pathogenic/Likely pathogenic. Review status: criteria provided, multiple submitters, no conflicts (2 of 4 stars). 7 submissions from 7 submitters: Pathogenic (5); Likely pathogenic (1). 1 of the submissions does not count toward it. Last evaluated 2023-11-07.

Conditions:
Kabuki syndrome. Also called: NIIKAWA-KUROKI SYNDROME; Kabuki make-up syndrome. Identifiers: Orphanet 2322, MedGen C0796004, MONDO:0016512.
Kabuki syndrome 1 (KABUK1). Also called: KMT2D-Related Kabuki Syndrome. Identifiers: Orphanet 2322, MedGen CN030661, MONDO:0007843, OMIM 147920.

Submissions (7):

GeneDx
Classification: Pathogenic. Last evaluated: 2023-11-07. Review status: criteria provided, single submitter. Criteria: GeneDx Variant Classification Process June 2021. Collection method: clinical testing. Allele origin: germline. Affected: yes.
Comment: Reported in unrelated patients with Kabuki syndrome referred for genetic testing at GeneDx and in published literature (PMID: 22126750); Frameshift variant predicted to result in protein truncation or nonsense mediated decay in a gene for which loss of function is a known mechanism of disease; Not observed at significant frequency in large population cohorts (gnomAD); This variant is associated with the following publications: (PMID: 35904121, 27302555, 32441320, 26841933, 22126750)

Labcorp Genetics (formerly Invitae), Labcorp
Classification: Pathogenic for Kabuki syndrome. Last evaluated: 2023-03-24. Review status: criteria provided, single submitter. Criteria: Invitae Variant Classification Sherloc (09022015). Collection method: clinical testing. Allele origin: germline.
Comment: This sequence change creates a premature translational stop signal (p.Asp1876Glyfs*38) in the KMT2D gene. It is expected to result in an absent or disrupted protein product. Loss-of-function variants in KMT2D are known to be pathogenic (PMID: 22126750). This variant is not present in population databases (gnomAD no frequency). This premature translational stop signal has been observed in individual(s) with clinical features of Kabuki syndrome (PMID: 22126750, 27302555, 32441320). This variant is also known as c.5627delACAG p.D1876GfsX37. ClinVar contains an entry for this variant (Variation ID: 547432). For these reasons, this variant has been classified as Pathogenic.

Provincial Medical Genetics Program of British Columbia, University of British Columbia
Classification: Pathogenic for Kabuki syndrome 1. Last evaluated: 2022-01-01. Review status: criteria provided, single submitter. Criteria: ACMG Guidelines, 2015. Collection method: clinical testing. Allele origin: de novo. Affected: yes.

Institute of Human Genetics Munich, TUM University Hospital
Classification: Pathogenic for Kabuki syndrome 1. Last evaluated: 2019-05-07. Review status: criteria provided, single submitter. Criteria: Classification criteria August 2017. Collection method: clinical testing. Allele origin: germline. Inheritance: Autosomal dominant inheritance. Affected: yes. Observed: 1 heterozygote.

CeGaT Center for Human Genetics Tuebingen
Classification: Pathogenic. Last evaluated: 2019-02-01. Review status: criteria provided, single submitter. Criteria: CeGaT Center For Human Genetics Tuebingen Variant Classification Criteria Version 2. Collection method: clinical testing. Allele origin: germline. Affected: yes. Observed: 3 variant alleles.

Center for Human Genetics, Inc
Classification: Likely pathogenic for Kabuki syndrome 1. Last evaluated: 2016-11-01. Review status: criteria provided, single submitter. Criteria: ACMG Guidelines, 2015. Collection method: clinical testing. Allele origin: germline. Affected: yes.

Autoinflammatory diseases unit, CHU de Montpellier
Classification: Pathogenic for Kabuki syndrome 1. Last evaluated: 2015-07-08. Review status: no assertion criteria provided. Collection method: clinical testing. Allele origin: unknown. Affected: yes. Not counted in ClinVar's aggregate classification.

Literature cited by the submitters: PubMed 22126750 (cited by Labcorp Genetics (formerly Invitae), Labcorp); PubMed 27302555 (cited by Labcorp Genetics (formerly Invitae), Labcorp); PubMed 32441320 (cited by Labcorp Genetics (formerly Invitae), Labcorp).

NM_003482.4(KMT2D):c.5627_5630del (p.Asp1876fs)

Gene: KMT2D (lysine methyltransferase 2D; minus strand). Cytogenetic location: 12q13.12.
Variant type: Deletion.
Coding change: c.5627_5630del on transcript NM_003482.4 (MANE Select); coding-DNA positions 5627 to 5630, 4 bases deleted (ACAG; older notation c.5627_5630delACAG).
Protein change: p.Asp1876fs; shifts the reading frame from aspartic acid 1876.
Molecular consequence: frameshift variant.
Genome position (GRCh38, 1-based): chr12:49,043,090-49,043,093, CTGT deleted on the plus strand (ACAG on the coding strand, the reverse complement: KMT2D is on the minus strand); deleting any 4 consecutive bases within chr12:49,043,090-49,043,095 gives the same sequence; the c. name uses the placement nearest the transcript's 3' end. VCF-style (leftmost placement, unchanged base first): chr12-49043089-CCTGT-C. GRCh37 (hg19) VCF-style: chr12-49436872-CCTGT-C.
Other names: c.5627_5630delACAG (NM_003482.3); short protein forms D1876fs.
Identifiers: ClinVar variation 547432 (VCV000547432.54), dbSNP rs1555193738, ClinGen allele CA645579728.